The following is an entry in ClinVar:

ClinVar aggregate classification (germline): Uncertain significance (1 of 4 stars; one submission).

Conditions:
Charcot-Marie-Tooth disease type 2. Also called: Charcot-Marie-Tooth type 2. Identifiers: Orphanet 64746, MedGen C0270914, MONDO:0018993.

Submission:

Labcorp Genetics (formerly Invitae), Labcorp
Classification: Uncertain significance for Charcot-Marie-Tooth disease type 2. Last evaluated: 2025-09-19. Review status: criteria provided, single submitter. Criteria: Invitae Variant Classification Sherloc (09022015). Collection method: clinical testing. Allele origin: germline.
Comment: This sequence change replaces asparagine, which is neutral and polar, with serine, which is neutral and polar, at codon 160 of the GARS protein (p.Asn160Ser). This variant is not present in population databases (gnomAD no frequency). This variant has not been reported in the literature in individuals affected with GARS-related conditions. Invitae Evidence Modeling of protein sequence and biophysical properties (such as structural, functional, and spatial information, amino acid conservation, physicochemical variation, residue mobility, and thermodynamic stability) indicates that this missense variant is not expected to disrupt GARS protein function with a negative predictive value of 80%. In summary, the available evidence is currently insufficient to determine the role of this variant in disease. Therefore, it has been classified as a Variant of Uncertain Significance.

NM_002047.4(GARS1):c.479A>G (p.Asn160Ser)

Gene: GARS1 (glycyl-tRNA synthetase 1; plus strand). Cytogenetic location: 7p14.3.
Variant type: single nucleotide variant.
Coding change: c.479A>G on transcript NM_002047.4 (MANE Select); coding-DNA position 479, A replaced by G.
Protein change: p.Asn160Ser; replaces asparagine 160 with serine.
Molecular consequence: missense variant.
Genome position (GRCh38, 1-based): chr7:30,601,110, A>G. VCF-style: chr7-30601110-A-G. GRCh37 (hg19) VCF-style: chr7-30640726-A-G.
Other names: c.317A>G, p.Asn106Ser (NM_001316772.1); short protein forms N106S, N160S.
Identifiers: ClinVar variation 4778709 (VCV004778709.1).